The following is an entry in ClinVar:

NM_002103.5(GYS1):c.1890+1G>T

Gene: GYS1 (glycogen synthase 1; minus strand). Cytogenetic location: 19q13.33.
Variant type: single nucleotide variant.
Coding change: c.1890+1G>T on transcript NM_002103.5 (MANE Select); the canonical splice donor site of the intron after coding-DNA position 1890, G replaced by T.
Molecular consequence: splice donor variant.
Genome position (GRCh38, 1-based): chr19:48,969,774, C>A on the plus strand (G>T on the coding strand, the complement: GYS1 is on the minus strand). VCF-style: chr19-48969774-C-A. GRCh37 (hg19) VCF-style: chr19-49473031-C-A.
Other names: c.1698+1G>T (NM_001161587.2).
Identifiers: ClinVar variation 2090648 (VCV002090648.4), dbSNP rs2513702582, ClinGen allele CA406759739.

ClinVar aggregate classification (germline): Uncertain significance (1 of 4 stars; one submission).

Conditions:
Glycogen storage disease due to muscle and heart glycogen synthase deficiency. Also called: MUSCLE GLYCOGEN SYNTHASE DEFICIENCY; GSD 0b. Identifiers: Orphanet 137625, MedGen C1969054, MONDO:0012693, OMIM 611556.

gnomAD v4.1: 1 of 1,613,538 alleles (0.000062%); highest among the groups gnomAD compares: Non-Finnish European, 0.000085%; no homozygotes.

Submission:

Labcorp Genetics (formerly Invitae), Labcorp
Classification: Uncertain significance for Glycogen storage disease due to muscle and heart glycogen synthase deficiency. Last evaluated: 2022-02-08. Review status: criteria provided, single submitter. Criteria: Invitae Variant Classification Sherloc (09022015). Collection method: clinical testing. Allele origin: germline.
Comment: This sequence change affects a donor splice site in intron 15 of the GYS1 gene. While this variant is not anticipated to result in nonsense mediated decay, it likely alters RNA splicing and results in a disrupted protein product. This variant is not present in population databases (gnomAD no frequency). This variant has not been reported in the literature in individuals affected with GYS1-related conditions. Variants that disrupt the consensus splice site are a relatively common cause of aberrant splicing (PMID: 17576681, 9536098). Algorithms developed to predict the effect of sequence changes on RNA splicing suggest that this variant may disrupt the consensus splice site. In summary, the available evidence is currently insufficient to determine the role of this variant in disease. Therefore, it has been classified as a Variant of Uncertain Significance.

Literature cited by the submitters: PubMed 17576681; PubMed 9536098.